The following is an entry in ClinVar:

NM_002617.4(PEX10):c.843G>A (p.Arg281=)

Gene: PEX10 (peroxisomal biogenesis factor 10; minus strand). Cytogenetic location: 1p36.32.
Variant type: single nucleotide variant.
Coding change: c.843G>A on transcript NM_002617.4 (MANE Select); coding-DNA position 843, G replaced by A.
Protein change: p.Arg281=; no amino-acid change (arginine 281 retained).
Molecular consequence: synonymous variant. On other transcripts: non-coding transcript variant (1).
Genome position (GRCh38, 1-based): chr1:2,406,553, C>T on the plus strand (G>A on the coding strand, the complement: PEX10 is on the minus strand). VCF-style: chr1-2406553-C-T. GRCh37 (hg19) VCF-style: chr1-2337992-C-T.
Other names: p.Arg301=; c.900G>A, p.Arg300= (NM_001374425.1); c.468G>A, p.Arg156= (NM_001374426.1); c.411G>A, p.Arg137= (NM_001374427.1); c.903G>A, p.Arg301= (NM_153818.2).
Identifiers: ClinVar variation 262790 (VCV000262790.18), dbSNP rs35082957, ClinGen allele CA537996.

ClinVar aggregate classification (germline): Benign. Review status: criteria provided, multiple submitters, no conflicts (2 of 4 stars). 7 submissions from 7 submitters: Benign (6). 1 of the submissions does not count toward it. Last evaluated 2026-02-04.

Conditions:
Zellweger spectrum disorders (ZS). Also called: Zellweger Spectrum Disorder; Zellweger Spectrum; Zellweger syndrome; Zellweger Spectrum Disorder (ZSD). Identifiers: Orphanet 912, MedGen C0043459, MONDO:0019609.
Peroxisome biogenesis disorder, complementation group 7 (CG7). Also called: Peroxisome biogenesis disorder, complementation group B. Identifiers: MedGen C1864399.
Peroxisome biogenesis disorder 6A (Zellweger). Also called: Peroxisome biogenesis disorder 6A. Identifiers: Orphanet 912, MedGen C3553947, MONDO:0013936, OMIM 614870.

Allele frequency attached by ClinVar (database versions not stated): gnomAD exomes 0.00077 and 0.00227; ESP Exome Variant Server 0.00792; gnomAD 0.00846 and 0.00792; TOPMed 0.00904; 1000 Genomes Project 0.01018; 1000 Genomes Project 30x 0.01202; ExAC 0.00237.
gnomAD v4.1: 2,411 of 1,613,310 alleles (0.15%); highest among the groups gnomAD compares: African/African-American, 2.6%; 29 homozygotes.

Submissions (7):

Labcorp Genetics (formerly Invitae), Labcorp
Classification: Benign for Peroxisome biogenesis disorder, complementation group 7. Last evaluated: 2026-02-04. Review status: criteria provided, single submitter. Criteria: Invitae Variant Classification Sherloc (09022015). Collection method: clinical testing. Allele origin: germline.

ARUP Laboratories, Molecular Genetics and Genomics, ARUP Laboratories
Classification: Benign. Last evaluated: 2023-10-16. Review status: criteria provided, single submitter. Criteria: ARUP Molecular Germline Variant Investigation Process 2024. Collection method: clinical testing. Allele origin: germline.

Mayo Clinic Laboratories, Mayo Clinic
Classification: Benign. Last evaluated: 2021-06-21. Review status: criteria provided, single submitter. Criteria: ACMG Guidelines, 2015. Collection method: clinical testing. Allele origin: germline. Observed: 13 variant alleles.

Illumina Laboratory Services, Illumina
Classification: Benign for Peroxisome biogenesis disorder 6A (Zellweger). Last evaluated: 2018-01-13. Review status: criteria provided, single submitter. Criteria: ICSL Variant Classification Criteria 13 December 2019. Collection method: clinical testing. Allele origin: germline.
Comment: This variant was observed in the ICSL laboratory as part of a predisposition screen in an ostensibly healthy population. It had not been previously curated by ICSL or reported in the Human Gene Mutation Database (HGMD: prior to June 1st, 2018), and was therefore a candidate for classification through an automated scoring system. Utilizing variant allele frequency, disease prevalence and penetrance estimates, and inheritance mode, an automated score was calculated to assess if this variant is too frequent to cause the disease. Based on the score and internal cut-off values, a variant classified as benign is not then subjected to further curation. The score for this variant resulted in a classification of benign for this disease.

Breakthrough Genomics
Classification: Benign. Review status: criteria provided, single submitter. Criteria: ACMG Guidelines, 2015. Collection method: not provided. Allele origin: germline. Inheritance: Autosomal recessive inheritance. Affected: yes.

PreventionGenetics, part of Exact Sciences
Classification: Benign. Review status: criteria provided, single submitter. Criteria: ACMG Guidelines, 2015. Collection method: clinical testing. Allele origin: germline.

Natera, Inc.
Classification: Benign for Zellweger syndrome. Last evaluated: 2020-09-16. Review status: no assertion criteria provided. Collection method: clinical testing. Allele origin: germline. Not counted in ClinVar's aggregate classification.